The following is an entry in ClinVar:

NM_001122764.3(PPOX):c.83C>T (p.Pro28Leu)

Gene: PPOX (protoporphyrinogen oxidase; plus strand). Cytogenetic location: 1q23.3.
Variant type: single nucleotide variant.
Coding change: c.83C>T on transcript NM_001122764.3 (MANE Select); coding-DNA position 83, C replaced by T.
Protein change: p.Pro28Leu; replaces proline 28 with leucine.
Molecular consequence: missense variant. On other transcripts: 5 prime UTR variant (5).
Genome position (GRCh38, 1-based): chr1:161,166,930, C>T. VCF-style: chr1-161166930-C-T. GRCh37 (hg19) VCF-style: chr1-161136720-C-T.
Other names: c.83C>T, p.Pro28Leu (NM_000309.5, NM_001350128.2, NM_001365398.1 and 1 more transcripts); c.-345C>T (NM_001350129.2); c.-436C>T (NM_001350130.2); c.-322C>T (NM_001350131.2); c.-229C>T (NM_001365400.1); c.-288C>T (NM_001365401.1); short protein forms P28L.
Identifiers: ClinVar variation 961039 (VCV000961039.9), dbSNP rs374585133, ClinGen allele CA343350777.

ClinVar aggregate classification (germline): Uncertain significance (1 of 4 stars; one submission).

Submission:

Labcorp Genetics (formerly Invitae), Labcorp
Classification: Uncertain significance. Last evaluated: 2019-07-16. Review status: criteria provided, single submitter. Criteria: Invitae Variant Classification Sherloc (09022015). Collection method: clinical testing. Allele origin: germline.
Comment: This variant is not present in population databases (ExAC no frequency). This variant has not been reported in the literature in individuals with PPOX-related conditions. Algorithms developed to predict the effect of missense changes on protein structure and function (SIFT, PolyPhen-2, Align-GVGD) all suggest that this variant is likely to be tolerated, but these predictions have not been confirmed by published functional studies and their clinical significance is uncertain. In summary, the available evidence is currently insufficient to determine the role of this variant in disease. Therefore, it has been classified as a Variant of Uncertain Significance. This sequence change replaces proline with leucine at codon 28 of the PPOX protein (p.Pro28Leu). The proline residue is moderately conserved and there is a moderate physicochemical difference between proline and leucine.